The following is an entry in ClinVar:

ClinVar aggregate classification (germline): Uncertain significance. Review status: criteria provided, multiple submitters, no conflicts (2 of 4 stars). 2 submissions from 2 submitters: Uncertain significance (2). Last evaluated 2023-05-19.

gnomAD v4.1: 1 of 1,614,066 alleles (0.000062%); no homozygotes.

Submissions (2):

Ambry Genetics
Classification: Uncertain significance. Last evaluated: 2023-05-19. Review status: criteria provided, single submitter. Criteria: Ambry Variant Classification Scheme 2023. Collection method: clinical testing. Allele origin: germline.
Comment: The p.S150G variant (also known as c.448A>G), located in coding exon 4 of the RINT1 gene, results from an A to G substitution at nucleotide position 448. The serine at codon 150 is replaced by glycine, an amino acid with similar properties. This amino acid position is conserved. In addition, this alteration is predicted to be tolerated by in silico analysis. Since supporting evidence is limited at this time, the clinical significance of this alteration remains unclear.

Labcorp Genetics (formerly Invitae), Labcorp
Classification: Uncertain significance. Last evaluated: 2022-04-09. Review status: criteria provided, single submitter. Criteria: Invitae Variant Classification Sherloc (09022015). Collection method: clinical testing. Allele origin: germline.
Comment: This variant is not present in population databases (gnomAD no frequency). In summary, the available evidence is currently insufficient to determine the role of this variant in disease. Therefore, it has been classified as a Variant of Uncertain Significance. Algorithms developed to predict the effect of missense changes on protein structure and function output the following: SIFT: "Tolerated"; PolyPhen-2: "Benign"; Align-GVGD: "Class C0". The glycine amino acid residue is found in multiple mammalian species, which suggests that this missense change does not adversely affect protein function. This variant has not been reported in the literature in individuals affected with RINT1-related conditions. This sequence change replaces serine, which is neutral and polar, with glycine, which is neutral and non-polar, at codon 150 of the RINT1 protein (p.Ser150Gly).

NM_021930.6(RINT1):c.448A>G (p.Ser150Gly)

Gene: RINT1 (RAD50 interactor 1; plus strand). Cytogenetic location: 7q22.3.
Variant type: single nucleotide variant.
Coding change: c.448A>G on transcript NM_021930.6 (MANE Select); coding-DNA position 448, A replaced by G.
Protein change: p.Ser150Gly; replaces serine 150 with glycine.
Molecular consequence: missense variant. On other transcripts: 5 prime UTR variant (3), non-coding transcript variant (1).
Genome position (GRCh38, 1-based): chr7:105,542,582, A>G. VCF-style: chr7-105542582-A-G. GRCh37 (hg19) VCF-style: chr7-105183029-A-G.
Other names: c.214A>G, p.Ser72Gly (NM_001346599.2); c.-572A>G (NM_001346600.2); c.-475A>G (NM_001346601.2); c.-95A>G (NM_001346603.2); c.448A>G (NM_021930.4); short protein forms S150G, S72G.
Identifiers: ClinVar variation 1929051 (VCV001929051.7), dbSNP rs780699445, ClinGen allele CA368803709.